The following is an entry in ClinVar:

ClinVar aggregate classification (germline): Uncertain significance (1 of 4 stars; one submission).

Submission:

Labcorp Genetics (formerly Invitae), Labcorp
Classification: Uncertain significance. Last evaluated: 2025-12-21. Review status: criteria provided, single submitter. Criteria: Invitae Variant Classification Sherloc (09022015). Collection method: clinical testing. Allele origin: germline.
Comment: This sequence change replaces proline, which is neutral and non-polar, with threonine, which is neutral and polar, at codon 419 of the KMT2B protein (p.Pro419Thr). This variant is not present in population databases (gnomAD no frequency). This variant has not been reported in the literature in individuals affected with KMT2B-related conditions. Invitae Evidence Modeling of protein sequence and biophysical properties (such as structural, functional, and spatial information, amino acid conservation, physicochemical variation, residue mobility, and thermodynamic stability) indicates that this missense variant is not expected to disrupt KMT2B protein function with a negative predictive value of 95%. In summary, the available evidence is currently insufficient to determine the role of this variant in disease. Therefore, it has been classified as a Variant of Uncertain Significance.

NM_014727.3(KMT2B):c.1255C>A (p.Pro419Thr)

Gene: KMT2B (lysine methyltransferase 2B; plus strand). Cytogenetic location: 19q13.12.
Variant type: single nucleotide variant.
Coding change: c.1255C>A on transcript NM_014727.3 (MANE Select); coding-DNA position 1255, C replaced by A.
Protein change: p.Pro419Thr; replaces proline 419 with threonine.
Molecular consequence: missense variant.
Genome position (GRCh38, 1-based): chr19:35,720,602, C>A. VCF-style: chr19-35720602-C-A. GRCh37 (hg19) VCF-style: chr19-36211504-C-A.
Other names: short protein forms P419T.
Identifiers: ClinVar variation 4763822 (VCV004763822.1).